The following is an entry in ClinVar:

ClinVar aggregate classification (germline): Pathogenic. Review status: criteria provided, multiple submitters, no conflicts (2 of 4 stars). 4 submissions from 4 submitters: Pathogenic (3). 1 of the submissions does not count toward it. Last evaluated 2025-12-29.

Conditions:
X-linked lymphoproliferative disease due to XIAP deficiency. Also called: XIAP-Related Lymphoproliferative Disease, X-Linked; XIAP DEFICIENCY. Identifiers: Orphanet 2442, Orphanet 538934, MedGen C1845076, MONDO:0010385, OMIM 300635.

Submissions (4):

Center for Genomic Medicine, Rigshospitalet, Copenhagen University Hospital
Classification: Pathogenic. Last evaluated: 2025-12-29. Review status: criteria provided, single submitter. Criteria: ACMG Guidelines, 2015. Collection method: clinical testing. Allele origin: germline.

GeneDx
Classification: Pathogenic. Last evaluated: 2024-12-03. Review status: criteria provided, single submitter. Criteria: GeneDx Variant Classification Process June 2021. Collection method: clinical testing. Allele origin: germline. Affected: yes.
Comment: Reported in siblings with XIAP deficiency in published literature (PMID: 24084330); Frameshift variant predicted to result in protein truncation or nonsense mediated decay in a gene for which loss of function is a known mechanism of disease; Not observed at significant frequency in large population cohorts (gnomAD); This variant is associated with the following publications: (PMID: 34586554, 32542393, 26671016, 27602064, 29248579, 31375816, 36441290, 34920033, 22228567, 24084330)

Labcorp Genetics (formerly Invitae), Labcorp
Classification: Pathogenic for X-linked lymphoproliferative disease due to XIAP deficiency. Last evaluated: 2023-02-22. Review status: criteria provided, single submitter. Criteria: Invitae Variant Classification Sherloc (09022015). Collection method: clinical testing. Allele origin: germline.
Comment: This sequence change creates a premature translational stop signal (p.Asn341Tyrfs*8) in the XIAP gene. It is expected to result in an absent or disrupted protein product. Loss-of-function variants in XIAP are known to be pathogenic (PMID: 17080092, 21119115, 25666262). This variant is not present in population databases (gnomAD no frequency). This premature translational stop signal has been observed in individual(s) with XIAP deficiency (PMID: 22228567). ClinVar contains an entry for this variant (Variation ID: 446508). For these reasons, this variant has been classified as Pathogenic.

OMIM
Classification: Pathogenic for LYMPHOPROLIFERATIVE SYNDROME, X-LINKED, 2. Last evaluated: 2017-12-05. Review status: no assertion criteria provided. Collection method: literature only. Allele origin: germline. Not counted in ClinVar's aggregate classification.

Literature cited by the submitters: PubMed 25666262 (cited by Center for Genomic Medicine, Rigshospitalet, Copenhagen University Hospital and Labcorp Genetics (formerly Invitae), Labcorp); PubMed 27602064 (cited by Center for Genomic Medicine, Rigshospitalet, Copenhagen University Hospital); PubMed 22228567 (cited by 3 submitters); PubMed 17080092 (cited by Labcorp Genetics (formerly Invitae), Labcorp); PubMed 21119115 (cited by Labcorp Genetics (formerly Invitae), Labcorp).

NM_001167.4(XIAP):c.1021_1022del (p.Asn341fs)

Gene: XIAP (X-linked inhibitor of apoptosis; plus strand). Cytogenetic location: Xq25.
Variant type: Deletion.
Coding change: c.1021_1022del on transcript NM_001167.4 (MANE Select); coding-DNA positions 1021 to 1022, 2 bases deleted (AA; older notation c.1021_1022delAA).
Protein change: p.Asn341fs; shifts the reading frame from asparagine 341.
Molecular consequence: frameshift variant. On other transcripts: non-coding transcript variant (2).
Genome position (GRCh38, 1-based): chrX:123,891,281-123,891,282, AA deleted. VCF-style (leftmost placement, unchanged base first): chrX-123891280-CAA-C. GRCh37 (hg19) VCF-style: chrX-123025130-CAA-C.
Other names: c.1021_1022del, p.Asn341fs (NM_001204401.2, NM_001378590.1, NM_001378591.1 and 1 more transcripts); c.1021_1022delAA (NM_001167.4); short protein forms N341fs.
Identifiers: ClinVar variation 446508 (VCV000446508.6), dbSNP rs1556406033, ClinGen allele CA658659038.